The following is an entry in ClinVar:

NM_001369.3(DNAH5):c.1691del (p.Asn564fs)

Gene: DNAH5 (dynein axonemal heavy chain 5; minus strand). Cytogenetic location: 5p15.2.
Variant type: Deletion.
Coding change: c.1691del on transcript NM_001369.3 (MANE Select); coding-DNA position 1691, one base deleted (A; older notation c.1691delA).
Protein change: p.Asn564fs; shifts the reading frame from asparagine 564.
Molecular consequence: frameshift variant.
Genome position (GRCh38, 1-based): chr5:13,902,092, T deleted on the plus strand (A on the coding strand, the reverse complement: DNAH5 is on the minus strand); the first of 4 consecutive T bases (chr5:13,902,092-13,902,095); deleting any one gives the same sequence. VCF-style (leftmost placement, unchanged base first): chr5-13902091-GT-G. GRCh37 (hg19) VCF-style: chr5-13902200-GT-G.
Other names: short protein forms N564fs.
Identifiers: ClinVar variation 5011536 (VCV005011536.1).

ClinVar aggregate classification (germline): Pathogenic (1 of 4 stars; one submission).

Conditions:
Primary ciliary dyskinesia 3. Identifiers: Orphanet 244, MedGen C1837618, MONDO:0012085, OMIM 608644.

Submission:

Myriad Genetics, Inc.
Classification: Pathogenic for Primary ciliary dyskinesia 3. Last evaluated: 2023-09-03. Review status: criteria provided, single submitter. Criteria: Myriad Autosomal Dominant, Autosomal Recessive and X-Linked Classification Criteria (2023). Collection method: clinical testing. Allele origin: unknown.
Comment: NM_001369.2(DNAH5):c.1691delA(N564Tfs*6) is expected to be pathogenic in the context of primary ciliary dyskinesia, DNAH5-related. This variant is predicted to lead to an abnormal or absent protein product due to the creation of a premature termination codon in DNAH5, a gene where loss-of-function variants are known to be pathogenic. Please note: this variant was assessed in the context of healthy population screening.